The following is an entry in ClinVar:

NM_004957.6(FPGS):c.64A>G (p.Ile22Val)

Genes: FPGS (folylpolyglutamate synthase; plus strand), LOC130002663 (ATAC-STARR-seq lymphoblastoid silent region 20313; plus strand). Cytogenetic location: 9q34.11.
Variant type: single nucleotide variant.
Coding change: c.64A>G on transcript NM_004957.6 (MANE Select); coding-DNA position 64, A replaced by G.
Protein change: p.Ile22Val; replaces isoleucine 22 with valine.
Molecular consequence: missense variant. On other transcripts: non-coding transcript variant (1).
Genome position (GRCh38, 1-based): chr9:127,802,988, A>G. VCF-style: chr9-127802988-A-G. GRCh37 (hg19) VCF-style: chr9-130565267-A-G.
Other names: c.64A>G, p.Ile22Val (NM_001288803.1); short protein forms I22V.
Identifiers: ClinVar variation 1232138 (VCV001232138.4), dbSNP rs10760502, ClinGen allele CA5251967.
Genomic context (GRCh38, chr9:127,802,988, plus strand): 5'-TCGCGGGCGCGGAGCCACCTGCGCGCCGCTCTATTCCTGGCAGCGGCGTCTGCGCGCGGC[A>G]TAACGACCCAGGTCGCGGCGCGGCGGGGCTTGAGCGCGTGGCCGGTGCCGCAGGAGCCGA-3'
Protein context (NP_004948.4, residues 12-32): LFLAAASARG[Ile22Val]TTQVAARRGL

ClinVar aggregate classification (germline): Benign. Review status: criteria provided, multiple submitters, no conflicts (2 of 4 stars). 2 submissions from 2 submitters: Benign (2). Last evaluated 2020-10-29.

Allele frequency attached by ClinVar (database versions not stated): ExAC 0.67817; TOPMed 0.72283; gnomAD 0.72925; 1000 Genomes Project 30x 0.77670; 1000 Genomes Project 0.78115; ESP Exome Variant Server 0.78428.
gnomAD v4.1: 976,949 of 1,461,332 alleles (67%); highest among the groups gnomAD compares: East Asian, 97%; 331,092 homozygotes.

Submissions (2):

GeneDx
Classification: Benign. Last evaluated: 2020-10-29. Review status: criteria provided, single submitter. Criteria: GeneDx Variant Classification Process June 2021. Collection method: clinical testing. Allele origin: germline. Affected: yes.
Comment: This variant is associated with the following publications: (PMID: 25765001)

Breakthrough Genomics
Classification: Benign. Review status: criteria provided, single submitter. Criteria: ACMG Guidelines, 2015. Collection method: not provided. Allele origin: germline. Inheritance: Unknown mechanism. Affected: yes.